The following is an entry in ClinVar:

ClinVar aggregate classification (germline): Uncertain significance. Review status: criteria provided, multiple submitters, no conflicts (2 of 4 stars). 2 submissions from 2 submitters: Uncertain significance (2). Last evaluated 2024-10-09.

Conditions:
RNU5A-1-associated neurodevelopmental disorder.

Submissions (2):

Institute of Human Genetics, University of Leipzig Medical Center
Classification: Uncertain significance for RNU5A-1-associated neurodevelopmental disorder. Last evaluated: 2024-10-09. Review status: criteria provided, single submitter. Criteria: ACMG Guidelines, 2015. Collection method: literature only. Allele origin: de novo. Inheritance: Autosomal dominant inheritance. Affected: yes. Observed: 2 variant alleles.
Comment: This variant was identified as de novo

Institute for Human Genetics, University Hospital Essen
Classification: Uncertain significance. Last evaluated: 2005-03-05. Review status: criteria provided, single submitter. Criteria: ACMG Guidelines, 2015. Collection method: clinical testing. Allele origin: de novo. Affected: yes.
Comment: PM2_supp, PS2

Literature cited by the submitters: DOI 10.1101/2024.10.07.24314689 (cited by Institute of Human Genetics, University of Leipzig Medical Center).

NR_002756.2(RNU5A-1):n.40_41insA

Gene: RNU5A-1 (RNA, U5A small nuclear 1; plus strand). Cytogenetic location: 15q22.31.
Variant type: Insertion.
Molecular consequence: non-coding transcript variant (on NR_002756.2).
Genome position: GRCh38 VCF-style: chr15-65296090-T-TA. GRCh37 (hg19) VCF-style: chr15-65588428-T-TA.
Identifiers: ClinVar variation 3362387 (VCV003362387.2).